The following is an entry in ClinVar:

NM_000180.4(GUCY2D):c.131TGC[1] (p.Leu45del)

Gene: GUCY2D (guanylate cyclase 2D, retinal; plus strand). Cytogenetic location: 17p13.1.
Variant type: Microsatellite.
Coding change: c.131TGC[1] on transcript NM_000180.4 (MANE Select); one copy of the 3-base unit TGC starting at c.131; the reference has two copies in a row; one copy, 3 bases deleted.
Protein change: p.Leu45del; deletes leucine 45.
Molecular consequence: inframe deletion.
Genome position (GRCh38, 1-based): chr17:8,003,181-8,003,183, TGC deleted; deleting any 3 consecutive bases within chr17:8,003,177-8,003,183 gives the same sequence; the position shown is the placement nearest the transcript's 3' end. VCF-style (leftmost placement, unchanged base first): chr17-8003176-TCTG-T. GRCh37 (hg19) VCF-style: chr17-7906494-TCTG-T.
Other names: short protein forms L45del.
Identifiers: ClinVar variation 1053812 (VCV001053812.10), dbSNP rs2151799258, ClinGen allele CA2576159855.

ClinVar aggregate classification (germline): Uncertain significance. Review status: criteria provided, multiple submitters, no conflicts (2 of 4 stars). 2 submissions from 2 submitters: Uncertain significance (2). Last evaluated 2020-04-09.

Conditions:
Choroidal dystrophy, central areolar, 1. Identifiers: Orphanet 75377, MedGen C4551884, MONDO:0024539, OMIM 215500.
Cone-rod dystrophy 6 (CORD6). Also called: Cone dystrophy progressive; RETINAL CONE DYSTROPHY 2. Identifiers: Orphanet 1872, MedGen C1866293, MONDO:0011143, OMIM 601777.
Leber congenital amaurosis 1 (LCA1). Also called: AMAUROSIS CONGENITA OF LEBER I; RETINAL BLINDNESS, CONGENITAL; Congenital absence of the rods and cones; Leber's congenital tapetoretinal degeneration; Leber's congenital tapetoretinal dysplasia. Identifiers: Orphanet 65, MedGen C2931258, MONDO:0008764, OMIM 204000.

Submissions (2):

CENTOGENE GmbH and LLC - Guiding Precision Medicine
Classification: Uncertain significance for Choroidal dystrophy, central areolar, 1. Last evaluated: 2020-04-09. Review status: criteria provided, single submitter. Criteria: ACMG Guidelines, 2015. Collection method: clinical testing. Allele origin: germline.

Labcorp Genetics (formerly Invitae), Labcorp
Classification: Uncertain significance for Leber congenital amaurosis 1; Cone-rod dystrophy 6. Last evaluated: 2020-01-16. Review status: criteria provided, single submitter. Criteria: Invitae Variant Classification Sherloc (09022015). Collection method: clinical testing. Allele origin: germline.
Comment: In summary, the available evidence is currently insufficient to determine the role of this variant in disease. Therefore, it has been classified as a Variant of Uncertain Significance. Experimental studies and prediction algorithms are not available or were not evaluated, and the functional significance of this variant is currently unknown. This variant has not been reported in the literature in individuals with GUCY2D-related conditions. The frequency data for this variant in the population databases is considered unreliable, as metrics indicate insufficient coverage at this position in the ExAC database. This variant, c.134_136del, results in the deletion of 1 amino acid(s) of the GUCY2D protein (p.Leu45del), but otherwise preserves the integrity of the reading frame.